The following is an entry in ClinVar:

NM_183357.3(ADCY5):c.1116C>G (p.Asp372Glu)

Gene: ADCY5 (adenylate cyclase 5; minus strand). Cytogenetic location: 3q21.1.
Variant type: single nucleotide variant.
Coding change: c.1116C>G on transcript NM_183357.3 (MANE Select); coding-DNA position 1116, C replaced by G.
Protein change: p.Asp372Glu; replaces aspartic acid 372 with glutamic acid.
Molecular consequence: missense variant.
Genome position (GRCh38, 1-based): chr3:123,447,430, G>C on the plus strand (C>G on the coding strand, the complement: ADCY5 is on the minus strand). VCF-style: chr3-123447430-G-C. GRCh37 (hg19) VCF-style: chr3-123166277-G-C.
Other names: c.1116C>G, p.Asp372Glu (NM_001378259.1); short protein forms D372E.
Identifiers: ClinVar variation 2858608 (VCV002858608.3), dbSNP rs1456826311, ClinGen allele CA354355925.
Genomic context (GRCh38, chr3:123,447,430, plus strand): 5'-CCCGCCCCGCAATCCAGTCCCGGTGGCCAGGTCGGCCCCTACCTGCTTCAGCAGGAACTG[G>C]TCCTGGGCGTTGGTGCGCAGGGCGATGGCCAGGTGGAGGGCGGACAGGAGCACCCCGCTG-3'
Protein context (NP_899200.1, residues 362-382): LAIALRTNAQ[Asp372Glu]QFLLKQLVSN

ClinVar aggregate classification (germline): Uncertain significance (1 of 4 stars; one submission).

Submission:

Labcorp Genetics (formerly Invitae), Labcorp
Classification: Uncertain significance. Last evaluated: 2023-04-23. Review status: criteria provided, single submitter. Criteria: Invitae Variant Classification Sherloc (09022015). Collection method: clinical testing. Allele origin: germline.
Comment: In summary, the available evidence is currently insufficient to determine the role of this variant in disease. Therefore, it has been classified as a Variant of Uncertain Significance. Advanced modeling of protein sequence and biophysical properties (such as structural, functional, and spatial information, amino acid conservation, physicochemical variation, residue mobility, and thermodynamic stability) performed at Invitae indicates that this missense variant is not expected to disrupt ADCY5 protein function. This variant has not been reported in the literature in individuals affected with ADCY5-related conditions. This variant is not present in population databases (gnomAD no frequency). This sequence change replaces aspartic acid, which is acidic and polar, with glutamic acid, which is acidic and polar, at codon 372 of the ADCY5 protein (p.Asp372Glu).